The following is an entry in ClinVar:

ClinVar aggregate classification (germline): Uncertain significance (1 of 4 stars; one submission).

Conditions:
Hereditary cancer-predisposing syndrome. Also called: Neoplastic Syndromes, Hereditary; Tumor predisposition; Hereditary neoplastic syndrome; Hereditary Cancer Syndrome. Identifiers: Orphanet 140162, MedGen C0027672, MeSH D009386, MONDO:0015356.
Cardiovascular phenotype. Identifiers: MedGen CN230736.

Submission:

Ambry Genetics
Classification: Uncertain significance for Cardiovascular phenotype; Hereditary cancer-predisposing syndrome. Last evaluated: 2023-04-19. Review status: criteria provided, single submitter. Criteria: Ambry Variant Classification Scheme 2023. Collection method: clinical testing. Allele origin: germline.
Comment: The p.L812R variant (also known as c.2435T>G), located in coding exon 21 of the LZTR1 gene, results from a T to G substitution at nucleotide position 2435. The leucine at codon 812 is replaced by arginine, an amino acid with dissimilar properties. This amino acid position is conserved. In addition, this alteration is predicted to be deleterious by in silico analysis. Since supporting evidence is limited at this time, the clinical significance of this alteration remains unclear.

NM_006767.4(LZTR1):c.2435T>G (p.Leu812Arg)

Gene: LZTR1 (leucine zipper like post translational regulator 1; plus strand). Cytogenetic location: 22q11.21.
Variant type: single nucleotide variant.
Coding change: c.2435T>G on transcript NM_006767.4 (MANE Select); coding-DNA position 2435, T replaced by G.
Protein change: p.Leu812Arg; replaces leucine 812 with arginine.
Molecular consequence: missense variant.
Genome position (GRCh38, 1-based): chr22:20,997,260, T>G. VCF-style: chr22-20997260-T-G. GRCh37 (hg19) VCF-style: chr22-21351549-T-G.
Other names: short protein forms L812R.
Identifiers: ClinVar variation 3238246 (VCV003238246.1), dbSNP rs773059569.